The following is an entry in ClinVar:

ClinVar aggregate classification (germline): Pathogenic/Likely pathogenic. Review status: criteria provided, multiple submitters, no conflicts (2 of 4 stars). 14 submissions from 14 submitters: Pathogenic (5); Likely pathogenic (8). 1 of the submissions does not count toward it. Last evaluated 2026-09-08.

Conditions:
Cardiovascular phenotype. Identifiers: MedGen CN230736.
Fabry disease. Also called: Ceramide trihexosidosis; ALPHA-GALACTOSIDASE A DEFICIENCY; ANDERSON-FABRY DISEASE; CERAMIDE TRIHEXOSIDASE DEFICIENCY; GLA DEFICIENCY; HEREDITARY DYSTOPIC LIPIDOSIS. Identifiers: Orphanet 324, MedGen C0002986, MONDO:0010526, OMIM 301500, HP:0001071. Disease mechanism: Fabry disease is due to inactivating mutations in the X-linked GLA gene resulting in deficiency of the enzyme Alpha Galactosidase-A., loss of function.

Allele frequency attached by ClinVar (database versions not stated): gnomAD exomes 0.00001.
gnomAD v4.1: 10 of 1,209,710 alleles (0.00083%); highest among the groups gnomAD compares: Non-Finnish European, 0.0011%; no homozygotes.

Submissions 1 to 10 of 14:

Genomenon, Inc
Classification: Likely pathogenic for Fabry disease. Last evaluated: 2026-09-08. Review status: criteria provided, single submitter. Criteria: Genomenon Sequence Variant Interpretation Standards - Updated. Collection method: curation. Allele origin: germline. Affected: yes.
Comment: GLA p.Arg363Cys (c.1087C>T) is a missense variant that changes the amino acid at codon 363 from Arginine to Cysteine. This variant has been observed in at least one proband with clinical features consistent with Fabry disease (PMID:32442237;29661900;37807078;12175777;39348817;31987665;39099234). Functional or patient cell studies have been reported (PMID:21598360;27474919;19387866;27657681;27744182;22063097;34173867). The presence of pathogenic/likely pathogenic missense variant(s) at the same amino acid position indicates that this residue is likely important for protein function. It is absent or not present at a significant frequency in gnomAD. In conclusion, we classify GLA p.Arg363Cys (c.1087C>T) as a likely pathogenic variant.

Labcorp Genetics (formerly Invitae), Labcorp
Classification: Pathogenic for Fabry disease. Last evaluated: 2026-01-25. Review status: criteria provided, single submitter. Criteria: Invitae Variant Classification Sherloc (09022015). Collection method: clinical testing. Allele origin: germline.
Comment: This sequence change replaces arginine, which is basic and polar, with cysteine, which is neutral and slightly polar, at codon 363 of the GLA protein (p.Arg363Cys). This variant is present in population databases (rs797044776, gnomAD 0.002%). This missense change has been observed in individual(s) with features of Fabry disease (PMID: 12175777; internal data). ClinVar contains an entry for this variant (Variation ID: 198401). An algorithm developed to predict the effect of missense changes on protein structure and function outputs the following: PolyPhen-2: "Benign". The cysteine amino acid residue is found in multiple mammalian species, which suggests that this missense change does not adversely affect protein function. Experimental studies have shown that this missense change affects GLA function (PMID: 21598360). This variant disrupts the p.Arg363 amino acid residue in GLA. Other variant(s) that disrupt this residue have been determined to be pathogenic (PMID: 11668641, 12175777, 26937405, 28302345). This suggests that this residue is clinically significant, and that variants that disrupt this residue are likely to be disease-causing. For these reasons, this variant has been classified as Pathogenic.

GeneDx
Classification: Pathogenic. Last evaluated: 2025-12-11. Review status: criteria provided, single submitter. Criteria: GeneDx Variant Classification Process June 2021. Collection method: clinical testing. Allele origin: germline. Affected: yes.
Comment: Published functional studies demonstrate significantly reduced enzyme activity (PMID: 21598360); In silico analysis supports that this missense variant has a deleterious effect on protein structure/function; Not observed at significant frequency in large population cohorts (gnomAD); This variant is associated with the following publications: (PMID: 29437868, 31860127, 25382311, 22063097, 28615118, 12175777, 27657681, 36243179, 32442237, 31987665, 39348817, 21598360, 26937405)

Ambry Genetics
Classification: Likely pathogenic for Cardiovascular phenotype. Last evaluated: 2025-06-23. Review status: criteria provided, single submitter. Criteria: Ambry Variant Classification Scheme 2023. Collection method: clinical testing. Allele origin: germline.
Comment: The c.1087C>T (p.R363C) alteration is located in exon 7 (coding exon 7) of the GLA gene. This alteration results from a C to T substitution at nucleotide position 1087, causing the arginine (R) at amino acid position 363 to be replaced by a cysteine (C). Based on data from gnomAD, this allele has an overall frequency of 0.001% (2/183376) total alleles studied. The highest observed frequency was 0.002% (2/81841) of European (non-Finnish) alleles. This variant was reported in individual(s) with features consistent with Fabry disease (Shabbeer, 2002; Gilchrist, 2023; Lindziute, 2023; Zhou, 2024; Leslie, 2025). This amino acid position is not well conserved in available vertebrate species. The in silico prediction for this alteration is inconclusive. Based on the available evidence, this alteration is classified as likely pathogenic.

Variantyx, Inc.
Classification: Likely pathogenic for Fabry disease. Last evaluated: 2025-04-07. Review status: criteria provided, single submitter. Criteria: Variantyx Assertion Criteria 2022. Collection method: clinical testing. Allele origin: maternal. Inheritance: X-linked inheritance.
Comment: This is a nonsynonymous variant in the GLA gene (OMIM: 300644). Pathogenic variants in this gene have been associated with X-linked Fabry disease. This variant has been reported in at least four affected individuals (PMID: 12175777, 19387866, 29661900, 31987665) (PS4_Moderate), and has a 0.0012% maximum allele frequency in non-founder control populations (PM2). Computational algorithms produce conflicting evidence regarding the predicted functional impact of this variant (REVEL score: 0.532), however, functional studies have shown that this variant alters GLA protein function (PMID: 21598360) (PS3). An alternate amino acid change at this position (p.Arg363His) have been previously reported in similarly affected individuals, which suggests that this residue is biologically important (PMID: 26937405) (PM5). Based on the current evidence, this variant is classified as likely pathogenic for X-linked Fabry disease.

Women's Health and Genetics/Laboratory Corporation of America, LabCorp
Classification: Pathogenic for Fabry disease. Last evaluated: 2025-03-21. Review status: criteria provided, single submitter. Criteria: LabCorp Variant Classification Summary - May 2015. Collection method: clinical testing. Allele origin: germline.
Comment: Variant summary: GLA c.1087C>T (p.Arg363Cys) results in a non-conservative amino acid change located in the Alpha galactosidase A, C-terminal beta-sandwich domain (IPR035373) of the encoded protein sequence. Three of five in-silico tools predict a benign effect of the variant on protein function. The variant allele was found at a frequency of 1.1e-05 in 183376 control chromosomes. c.1087C>T has been reported in the literature in individuals affected with Fabry Disease (Balendran_2020, Mauhin_2020, Arends_2018, Shabbeer_2002, cited in Benjamin_2009, Zhou_2024). These data indicate that the variant may be associated with disease. A different variant affecting the same codon has been classified as pathogenic by our lab (c.1088G>A, p.Arg363His), supporting the critical relevance of codon 363 to GLA protein function. At least one publication reports experimental evidence evaluating an impact on protein function. The most pronounced variant effect results in <10% of normal activity (Wu_2011, Benjamin_2009). ClinVar contains an entry for this variant (Variation ID: 198401). Based on the evidence outlined above, the variant was classified as pathogenic.

Institute of Human Genetics, University of Leipzig Medical Center
Classification: Likely pathogenic for Fabry disease. Last evaluated: 2025-03-04. Review status: criteria provided, single submitter. Criteria: ACMG Guidelines, 2015. Collection method: clinical testing. Allele origin: unknown. Affected: yes.
Comment: Criteria applied: PS3_SUP, PM1_MOD, PM2, PM5_SUP

Revvity Omics, Revvity
Classification: Pathogenic. Last evaluated: 2023-08-15. Review status: criteria provided, single submitter. Criteria: ACMG Guidelines, 2015. Collection method: clinical testing. Allele origin: germline.

Fulgent Genetics
Classification: Likely pathogenic for Fabry disease. Last evaluated: 2021-12-08. Review status: criteria provided, single submitter. Criteria: ACMG Guidelines, 2015. Collection method: clinical testing. Allele origin: unknown.

Genome-Nilou Lab
Classification: Likely pathogenic for Fabry disease. Last evaluated: 2021-07-15. Review status: criteria provided, single submitter. Criteria: ACMG Guidelines, 2015. Collection method: clinical testing. Allele origin: germline. Affected: no.

NM_000169.3(GLA):c.1087C>T (p.Arg363Cys)

Genes: GLA (galactosidase alpha; minus strand), RPL36A-HNRNPH2 (RPL36A-HNRNPH2 readthrough; plus strand). Cytogenetic location: Xq22.1.
Variant type: single nucleotide variant.
Coding change: c.1087C>T on transcript NM_000169.3 (MANE Select); coding-DNA position 1087, C replaced by T.
Protein change: p.Arg363Cys; replaces arginine 363 with cysteine.
Molecular consequence: missense variant. On other transcripts: non-coding transcript variant (3), intron variant (2).
Genome position (GRCh38, 1-based): chrX:101,398,012, G>A on the plus strand (C>T on the coding strand, the complement: GLA is on the minus strand). VCF-style: chrX-101398012-G-A. GRCh37 (hg19) VCF-style: chrX-100653000-G-A.
Other names: c.1087C>T (NM_000169.2); c.1210C>T, p.Arg404Cys (NM_001406747.1); c.300+2555G>A (NM_001199973.2); c.177+6190G>A (NM_001199974.2); short protein forms R363C, R404C.
Identifiers: ClinVar variation 198401 (VCV000198401.35), dbSNP rs797044776, ClinGen allele CA021376.